The following is an entry in ClinVar:

ClinVar aggregate classification (germline): Pathogenic (1 of 4 stars; one submission).

Conditions:
Hereditary spastic paraplegia 48. Also called: SPASTIC PARAPLEGIA 48, AUTOSOMAL RECESSIVE; Spastic paraplegia 48. Identifiers: Orphanet 306511, MedGen C3150901, MONDO:0013342, OMIM 613647.

Submission:

Labcorp Genetics (formerly Invitae), Labcorp
Classification: Pathogenic for Hereditary spastic paraplegia 48. Last evaluated: 2022-07-07. Review status: criteria provided, single submitter. Criteria: Invitae Variant Classification Sherloc (09022015). Collection method: clinical testing. Allele origin: germline.
Comment: For these reasons, this variant has been classified as Pathogenic. This variant has not been reported in the literature in individuals affected with AP5Z1-related conditions. This variant is not present in population databases (gnomAD no frequency). This sequence change creates a premature translational stop signal (p.Cys301*) in the AP5Z1 gene. It is expected to result in an absent or disrupted protein product. Loss-of-function variants in AP5Z1 are known to be pathogenic (PMID: 20613862, 27606357).

Literature cited by the submitters: PubMed 20613862; PubMed 27606357.

NM_014855.3(AP5Z1):c.896_902dup (p.Cys301Ter)

Gene: AP5Z1 (adaptor related protein complex 5 subunit zeta 1; plus strand). Cytogenetic location: 7p22.1.
Variant type: Duplication.
Coding change: c.896_902dup on transcript NM_014855.3 (MANE Select); coding-DNA positions 896 to 902, 7 bases duplicated (AGTACTG; older notation c.896_902dupAGTACTG).
Protein change: p.Cys301Ter; replaces cysteine 301 with a stop codon.
Molecular consequence: nonsense. On other transcripts: non-coding transcript variant (1).
Genome position (GRCh38, 1-based): chr7:4,785,013-4,785,019, AGTACTG duplicated; duplicating any 7 consecutive bases within chr7:4,785,012-4,785,019 gives the same sequence; the c. name uses the placement nearest the transcript's 3' end. VCF-style (leftmost placement, unchanged base first): chr7-4785011-C-CGAGTACT. GRCh37 (hg19) VCF-style: chr7-4824642-C-CGAGTACT.
Other names: c.428_434dup, p.Cys145Ter (NM_001364858.1); short protein forms C301*, C145*.
Identifiers: ClinVar variation 2007501 (VCV002007501.4), dbSNP rs2534048198, ClinGen allele CA2580076782.
Genomic context (GRCh38, chr7:4,785,011, plus strand): 5'-CGCCACCTCCTCTGCCGGCCGCCTGCTGCCGCCCCGGGAGCGGCTTCGGGAGGTGGCCTT[C>CGAGTACT]GAGTACTGCCAGCGCCTCATTGAGCAAAGTAACCGACGTGAGTCCCCCACCCAGGGCACT-3'